The following is an entry in ClinVar:

NM_006147.4(IRF6):c.668-5T>G

Gene: IRF6 (interferon regulatory factor 6; minus strand). Cytogenetic location: 1q32.2.
Variant type: single nucleotide variant.
Coding change: c.668-5T>G on transcript NM_006147.4 (MANE Select); 5 bases into the intron before coding-DNA position 668, T replaced by G.
Molecular consequence: intron variant.
Genome position (GRCh38, 1-based): chr1:209,790,892, A>C on the plus strand (T>G on the coding strand, the complement: IRF6 is on the minus strand). VCF-style: chr1-209790892-A-C. GRCh37 (hg19) VCF-style: chr1-209964237-A-C.
Other names: c.383-5T>G (NM_001206696.2).
Identifiers: ClinVar variation 533112 (VCV000533112.1), dbSNP rs1553247787, ClinGen allele CA658795588.

ClinVar aggregate classification (germline): Uncertain significance (1 of 4 stars; one submission).

Conditions:
Orofacial cleft 6, susceptibility to (OFC6). Also called: CLEFT LIP WITH OR WITHOUT CLEFT PALATE, NONSYNDROMIC, 6. Identifiers: MedGen C1837213, MONDO:0012141, OMIM 608864.
Van der Woude syndrome 1. Also called: CLEFT LIP AND/OR PALATE WITH MUCOUS CYSTS OF LOWER LIP; van der Woude Syndrome (VWS). Identifiers: MedGen C4551864, MONDO:0007333, OMIM 119300.
Popliteal pterygium syndrome (PPS). Identifiers: Orphanet 294963, MedGen C0265259, MONDO:0017435.

Submission:

Labcorp Genetics (formerly Invitae), Labcorp
Classification: Uncertain significance for Orofacial cleft 6, susceptibility to; Van der Woude syndrome; Popliteal pterygium syndrome. Last evaluated: 2017-12-19. Review status: criteria provided, single submitter. Criteria: Invitae Variant Classification Sherloc (09022015). Collection method: clinical testing. Allele origin: germline.
Comment: This sequence change falls in intron 6 of the IRF6 gene. It does not directly change the encoded amino acid sequence of the IRF6 protein. This variant is not present in population databases (ExAC no frequency). This variant has been reported in an individual affected with van der Woude syndrome (PMID: 19282774). This variant is also known as IVS6-5T>G in the literature. Algorithms developed to predict the effect of sequence changes on RNA splicing suggest that this variant may disrupt the consensus splice site, but this prediction has not been confirmed by published transcriptional studies. In summary, the available evidence is currently insufficient to determine the role of this variant in disease. Therefore, it has been classified as a Variant of Uncertain Significance.

Literature cited by the submitters: PubMed 19282774.